The following is an entry in ClinVar:

NM_001122955.4(BSCL2):c.626G>A (p.Arg209His)

Genes: BSCL2 (BSCL2 lipid droplet biogenesis associated, seipin; minus strand), HNRNPUL2-BSCL2 (HNRNPUL2-BSCL2 readthrough (NMD candidate); minus strand). Cytogenetic location: 11q12.3.
Variant type: single nucleotide variant.
Coding change: c.626G>A on transcript NM_001122955.4 (MANE Select); coding-DNA position 626, G replaced by A.
Protein change: p.Arg209His; replaces arginine 209 with histidine.
Molecular consequence: missense variant. On other transcripts: non-coding transcript variant (1).
Genome position (GRCh38, 1-based): chr11:62,694,572, C>T on the plus strand (G>A on the coding strand, the complement: BSCL2 is on the minus strand). VCF-style: chr11-62694572-C-T. GRCh37 (hg19) VCF-style: chr11-62462044-C-T.
Other names: c.434G>A, p.Arg145His (NM_001130702.2, NM_032667.6); c.626G>A, p.Arg209His (NM_001386027.1, NM_001386028.1); short protein forms R145H, R209H.
Identifiers: ClinVar variation 3896784 (VCV003896784.2).

ClinVar aggregate classification (germline): Uncertain significance. Review status: criteria provided, multiple submitters, no conflicts (2 of 4 stars). 2 submissions from 2 submitters: Uncertain significance (2). Last evaluated 2026-06-23.

Conditions:
Inborn genetic diseases. Identifiers: MedGen C0950123, MeSH D030342.
Neuronopathy, distal hereditary motor, type 5C. Also called: DHMN VC; NEURONOPATHY, DISTAL HEREDITARY MOTOR, HARDING TYPE VC; NEUROPATHY, DISTAL HEREDITARY MOTOR, HARDING TYPE VC; SPINAL MUSCULAR ATROPHY, DISTAL, HARDING TYPE VC; NEURONOPATHY, DISTAL HEREDITARY MOTOR, AUTOSOMAL DOMINANT 13. Identifiers: MedGen C5436838, MONDO:0030860, OMIM 619112.

Submissions (2):

Ambry Genetics
Classification: Uncertain significance for Inborn genetic diseases. Last evaluated: 2026-06-23. Review status: criteria provided, single submitter. Criteria: Ambry Variant Classification Scheme 2023. Collection method: clinical testing. Allele origin: germline.
Comment: The c.434G>A (p.R145H) alteration is located in exon 4 (coding exon 3) of the BSCL2 gene. This alteration results from a G to A substitution at nucleotide position 434, causing the arginine (R) at amino acid position 145 to be replaced by a histidine (H). Based on data from gnomAD, the A allele has an overall frequency of 0.003% (1/31346) total alleles studied. The highest observed frequency was 0.007% (1/15400) of European (non-Finnish) alleles. Based on insufficient or conflicting evidence, the clinical significance of this alteration remains unclear.

Kariminejad - Najmabadi Pathology & Genetics Center
Classification: Uncertain significance for Neuronopathy, distal hereditary motor, type 5C. Last evaluated: 2023-11-12. Review status: criteria provided, single submitter. Criteria: ACMG Guidelines, 2015. Collection method: clinical testing. Allele origin: germline. Inheritance: Autosomal dominant inheritance. Affected: yes.
Comment: PM2,PP3_Moderate